The following is an entry in ClinVar:

NM_004304.5(ALK):c.2442G>T (p.Trp814Cys)

Gene: ALK (ALK receptor tyrosine kinase; minus strand). Cytogenetic location: 2p23.2.
Variant type: single nucleotide variant.
Coding change: c.2442G>T on transcript NM_004304.5 (MANE Select); coding-DNA position 2442, G replaced by T.
Protein change: p.Trp814Cys; replaces tryptophan 814 with cysteine.
Molecular consequence: missense variant.
Genome position (GRCh38, 1-based): chr2:29,233,610, C>A on the plus strand (G>T on the coding strand, the complement: ALK is on the minus strand). VCF-style: chr2-29233610-C-A. GRCh37 (hg19) VCF-style: chr2-29456476-C-A.
Other names: short protein forms W814C.
Identifiers: ClinVar variation 1384671 (VCV001384671.11), dbSNP rs2148184506, ClinGen allele CA346472196.
Genomic context (GRCh38, chr2:29,233,610, plus strand): 5'-CAGCACACACCATACCTTAAATACGTAGGTGGCTCCACCCCCTCCTCCTCCGCCTCCTGC[C>A]CACTCATGCACGCTTCTGTTCACACGGATTTCTTCTTCTATCACATTGTTCTCTCCAATG-3'
Protein context (NP_004295.2, residues 804-824): EIRVNRSVHE[Trp814Cys]AGGGGGGGGA

ClinVar aggregate classification (germline): Uncertain significance. Review status: criteria provided, multiple submitters, no conflicts (2 of 4 stars). 2 submissions from 2 submitters: Uncertain significance (2). Last evaluated 2025-11-19.

Conditions:
Hereditary cancer-predisposing syndrome. Also called: Tumor predisposition; Hereditary neoplastic syndrome; Neoplastic Syndromes, Hereditary; Hereditary Cancer Syndrome. Identifiers: Orphanet 140162, MedGen C0027672, MeSH D009386, MONDO:0015356.
Neuroblastoma, susceptibility to, 3. Also called: ALK-Related Neuroblastic Tumor Susceptibility. Identifiers: Orphanet 635, MedGen C2751681, MONDO:0013083, OMIM 613014.

Submissions (2):

Ambry Genetics
Classification: Uncertain significance for Hereditary cancer-predisposing syndrome. Last evaluated: 2025-11-19. Review status: criteria provided, single submitter. Criteria: Ambry Variant Classification Scheme 2023. Collection method: clinical testing. Allele origin: germline.
Comment: The p.W814C variant (also known as c.2442G>T), located in coding exon 14 of the ALK gene, results from a G to T substitution at nucleotide position 2442. The tryptophan at codon 814 is replaced by cysteine, an amino acid with highly dissimilar properties. This amino acid position is conserved. In addition, the in silico prediction for this alteration is inconclusive. Since supporting evidence is limited at this time, the clinical significance of this alteration remains unclear.

Labcorp Genetics (formerly Invitae), Labcorp
Classification: Uncertain significance for Neuroblastoma, susceptibility to, 3. Last evaluated: 2021-04-04. Review status: criteria provided, single submitter. Criteria: Invitae Variant Classification Sherloc (09022015). Collection method: clinical testing. Allele origin: germline.
Comment: In summary, the available evidence is currently insufficient to determine the role of this variant in disease. Therefore, it has been classified as a Variant of Uncertain Significance. Algorithms developed to predict the effect of missense changes on protein structure and function (SIFT, PolyPhen-2, Align-GVGD) all suggest that this variant is likely to be disruptive, but these predictions have not been confirmed by published functional studies and their clinical significance is uncertain. This variant has not been reported in the literature in individuals with ALK-related conditions. This variant is not present in population databases (ExAC no frequency). This sequence change replaces tryptophan with cysteine at codon 814 of the ALK protein (p.Trp814Cys). The tryptophan residue is highly conserved and there is a large physicochemical difference between tryptophan and cysteine.